The following is an entry in ClinVar:

ClinVar aggregate classification (germline): Benign/Likely benign. Review status: criteria provided, multiple submitters, no conflicts (2 of 4 stars). 9 submissions from 9 submitters: Benign (2); Likely benign (7). Last evaluated 2025-12-09.

Conditions:
Hereditary cancer-predisposing syndrome. Also called: Neoplastic Syndromes, Hereditary; Hereditary Cancer Syndrome; Tumor predisposition; Hereditary neoplastic syndrome. Identifiers: Orphanet 140162, MedGen C0027672, MeSH D009386, MONDO:0015356.
Tuberous sclerosis syndrome (TSC). Also called: Tuberous Sclerosis Complex; Tuberous sclerosis. Identifiers: Orphanet 805, MedGen C0041341, MONDO:0001734.
Tuberous sclerosis 2 (TSC2). Identifiers: Orphanet 805, MedGen C1860707, MONDO:0013199, OMIM 613254.

Allele frequency attached by ClinVar (database versions not stated): gnomAD 0.00001; gnomAD exomes 0.00003 and 0.00004; ExAC 0.00005; ESP Exome Variant Server 0.00008.
gnomAD v4.1: 38 of 1,613,144 alleles (0.0024%); highest among the groups gnomAD compares: Admixed American, 0.0067%; no homozygotes.

Submissions (9):

Labcorp Genetics (formerly Invitae), Labcorp
Classification: Likely benign for Tuberous sclerosis 2. Last evaluated: 2025-12-09. Review status: criteria provided, single submitter. Criteria: Invitae Variant Classification Sherloc (09022015). Collection method: clinical testing. Allele origin: germline.

Myriad Genetics, Inc.
Classification: Benign for Tuberous sclerosis 2. Last evaluated: 2025-05-27. Review status: criteria provided, single submitter. Criteria: Myriad Autosomal Dominant, Autosomal Recessive and X-Linked Classification Criteria (2023). Collection method: clinical testing. Allele origin: unknown.
Comment: This variant is considered benign. This variant is a silent/synonymous amino acid change and it is not expected to impact splicing.

All of Us Research Program, National Institutes of Health
Classification: Likely benign for Tuberous sclerosis syndrome. Last evaluated: 2024-05-14. Review status: criteria provided, single submitter. Criteria: ACMG Guidelines, 2015. Collection method: clinical testing. Allele origin: germline. Inheritance: Autosomal dominant inheritance. Observed: 3 variant alleles, 3 heterozygotes.
Comment: This study involves interpretation of variants in research participants for the purpose of population health screening. Participant phenotype was not available at the time of variant classification. Additional details can be found in publication PMID: 35346344, PMCID: PMC8962531

Blueprint Genetics
Classification: Likely benign. Last evaluated: 2023-11-09. Review status: criteria provided, single submitter. Criteria: ACMG Guidelines, 2015. Collection method: clinical testing. Allele origin: germline.

CeGaT Center for Human Genetics Tuebingen
Classification: Likely benign. Last evaluated: 2022-12-01. Review status: criteria provided, single submitter. Criteria: CeGaT Center For Human Genetics Tuebingen Variant Classification Criteria Version 2. Collection method: clinical testing. Allele origin: germline. Affected: yes. Observed: 1 variant allele.
Comment: TSC2: BP4, BP7

Color Diagnostics, LLC DBA Color Health
Classification: Likely benign for Tuberous sclerosis syndrome. Last evaluated: 2022-09-28. Review status: criteria provided, single submitter. Criteria: ACMG Guidelines, 2015. Collection method: clinical testing. Allele origin: germline.

Genome-Nilou Lab
Classification: Benign for Tuberous sclerosis 2. Last evaluated: 2021-11-07. Review status: criteria provided, single submitter. Criteria: ACMG Guidelines, 2015. Collection method: clinical testing. Allele origin: germline. Affected: no.

Sema4
Classification: Likely benign for Hereditary cancer-predisposing syndrome. Last evaluated: 2021-06-07. Review status: criteria provided, single submitter. Criteria: Sema4 Curation Guidelines. Collection method: curation. Allele origin: germline.

Ambry Genetics
Classification: Likely benign for Hereditary cancer-predisposing syndrome. Last evaluated: 2015-08-27. Review status: criteria provided, single submitter. Criteria: Ambry Variant Classification Scheme 2023. Collection method: clinical testing. Allele origin: germline.

NM_000548.5(TSC2):c.2886C>T (p.Pro962=)

Gene: TSC2 (TSC complex subunit 2; plus strand). Cytogenetic location: 16p13.3.
Variant type: single nucleotide variant.
Coding change: c.2886C>T on transcript NM_000548.5 (MANE Select); coding-DNA position 2886, C replaced by T.
Protein change: p.Pro962=; no amino-acid change (proline 962 retained).
Molecular consequence: synonymous variant. On other transcripts: intron variant (9).
Genome position (GRCh38, 1-based): chr16:2,077,646, C>T. VCF-style: chr16-2077646-C-T. GRCh37 (hg19) VCF-style: chr16-2127647-C-T.
Other names: c.2886C>T, p.Pro962= (NM_001114382.3); c.2837+1061C>T (NM_021055.3, NM_001370405.1, NM_001363528.2 and 2 more transcripts); c.2726+1061C>T (NM_001318827.2); c.2237+1061C>T (NM_001318831.2); c.2690+1061C>T (NM_001318829.2); c.2870+1061C>T (NM_001318832.2).
Identifiers: ClinVar variation 233537 (VCV000233537.47), dbSNP rs140202176, ClinGen allele CA042570.